The following is an entry in ClinVar:

NM_004239.4(TRIP11):c.950A>T (p.Asp317Val)

Gene: TRIP11 (thyroid hormone receptor interactor 11; minus strand). Cytogenetic location: 14q32.12.
Variant type: single nucleotide variant.
Coding change: c.950A>T on transcript NM_004239.4 (MANE Select); coding-DNA position 950, A replaced by T.
Protein change: p.Asp317Val; replaces aspartic acid 317 with valine.
Molecular consequence: missense variant.
Genome position (GRCh38, 1-based): chr14:92,014,451, T>A on the plus strand (A>T on the coding strand, the complement: TRIP11 is on the minus strand). VCF-style: chr14-92014451-T-A. GRCh37 (hg19) VCF-style: chr14-92480795-T-A.
Other names: c.947A>T, p.Asp316Val (NM_001321851.1); short protein forms D317V, D316V.
Identifiers: ClinVar variation 282580 (VCV000282580.24), dbSNP rs140416653, ClinGen allele CA7314050.
Genomic context (GRCh38, chr14:92,014,451, plus strand): 5'-TCTTGTTCTCTCCTCAAAATATCTCTGTCATTTTCTGCAGAAGATAATTTTTTATTTATA[T>A]CTTTTATTTTATCCTCAAGTTGTTCCATTTTTTTGGTAGACTCCACTTTTTCTATTTGTA-3'
Protein context (NP_004230.2, residues 307-327): KMEQLEDKIK[Asp317Val]INKKLSSAEN

ClinVar aggregate classification (germline): Uncertain significance. Review status: criteria provided, multiple submitters, no conflicts (2 of 4 stars). 7 submissions from 7 submitters: Uncertain significance (7). Last evaluated 2024-12-10.

Conditions:
Inborn genetic diseases. Identifiers: MedGen C0950123, MeSH D030342.
Connective tissue disorder. Also called: Connective tissue disease. Identifiers: MedGen C0009782, MONDO:0003900.
Achondrogenesis, type IA (ACG1A). Identifiers: Orphanet 932, Orphanet 93299, MedGen C0265273, MONDO:0008701, OMIM 200600.

Allele frequency attached by ClinVar (database versions not stated): ExAC 0.00016; gnomAD 0.00021 and 0.00023; ESP Exome Variant Server 0.00023; TOPMed 0.00025.
gnomAD v4.1: 829 of 1,599,500 alleles (0.052%); highest among the groups gnomAD compares: Non-Finnish European, 0.068%; 1 homozygote.

Submissions (7):

Ambry Genetics
Classification: Uncertain significance for Inborn genetic diseases. Last evaluated: 2024-12-10. Review status: criteria provided, single submitter. Criteria: Ambry Variant Classification Scheme 2023. Collection method: clinical testing. Allele origin: germline.

Labcorp Genetics (formerly Invitae), Labcorp
Classification: Uncertain significance for Achondrogenesis, type IA. Last evaluated: 2022-09-01. Review status: criteria provided, single submitter. Criteria: Invitae Variant Classification Sherloc (09022015). Collection method: clinical testing. Allele origin: germline.
Comment: This sequence change replaces aspartic acid, which is acidic and polar, with valine, which is neutral and non-polar, at codon 317 of the TRIP11 protein (p.Asp317Val). This variant is present in population databases (rs140416653, gnomAD 0.05%). This variant has not been reported in the literature in individuals affected with TRIP11-related conditions. ClinVar contains an entry for this variant (Variation ID: 282580). Algorithms developed to predict the effect of missense changes on protein structure and function are either unavailable or do not agree on the potential impact of this missense change (SIFT: "Not Available"; PolyPhen-2: "Benign"; Align-GVGD: "Not Available"). In summary, the available evidence is currently insufficient to determine the role of this variant in disease. Therefore, it has been classified as a Variant of Uncertain Significance.

Genome Diagnostics Laboratory, The Hospital for Sick Children
Classification: Uncertain significance for Connective tissue disorder. Last evaluated: 2020-11-20. Review status: criteria provided, single submitter. Criteria: ACMG Guidelines, 2015. Collection method: clinical testing. Allele origin: germline.

GeneDx
Classification: Uncertain significance. Last evaluated: 2019-10-30. Review status: criteria provided, single submitter. Criteria: GeneDx Variant Classification Process June 2021. Collection method: clinical testing. Allele origin: germline. Affected: yes.
Comment: In silico analysis, which includes protein predictors and evolutionary conservation, supports that this variant does not alter protein structure/function; Has not been previously published as pathogenic or benign to our knowledge

ARUP Laboratories, Molecular Genetics and Genomics, ARUP Laboratories
Classification: Uncertain significance. Last evaluated: 2019-08-02. Review status: criteria provided, single submitter. Criteria: ARUP Molecular Germline Variant Investigation Process. Collection method: clinical testing. Allele origin: germline.
Comment: The TRIP11 c.950A>T; p.Asp317Val variant (rs140416653), to our knowledge, is not reported in the medical literature but is reported in ClinVar (Variation ID: 282580). This variant is found in the non-Finnish European population with an overall allele frequency of 0.05% (58/123454 alleles) in the Genome Aggregation Database. The aspartate at codon 317 is weakly conserved, and computational analyses (SIFT: damaging, PolyPhen-2: benign) predict conflicting effects of this variant on protein structure/function. However, due to limited information, the clinical significance of the p.Asp317Val variant is uncertain at this time.

Illumina Laboratory Services, Illumina
Classification: Uncertain significance for Achondrogenesis, type IA. Last evaluated: 2018-01-12. Review status: criteria provided, single submitter. Criteria: ICSL Variant Classification Criteria 13 December 2019. Collection method: clinical testing. Allele origin: germline.

Eurofins Ntd Llc (ga)
Classification: Uncertain significance. Last evaluated: 2015-09-04. Review status: criteria provided, single submitter. Criteria: EGL Classification Definitions 2015. Collection method: clinical testing. Allele origin: germline. Observed: 1 variant allele, 1 heterozygote.